The following is an entry in ClinVar:

NM_025114.4(CEP290):c.802_803del (p.Thr267_Asp268insTer)

Gene: CEP290 (centrosomal protein 290; minus strand). Cytogenetic location: 12q21.32.
Variant type: Deletion.
Coding change: c.802_803del on transcript NM_025114.4 (MANE Select); coding-DNA positions 802 to 803, 2 bases deleted (GA; older notation c.802_803delGA).
Protein change: p.Thr267_Asp268insTer.
Molecular consequence: nonsense.
Genome position (GRCh38, 1-based): chr12:88,129,743-88,129,744, TC deleted on the plus strand (GA on the coding strand, the reverse complement: CEP290 is on the minus strand); deleting any 2 consecutive bases within chr12:88,129,743-88,129,745 gives the same sequence; the c. name uses the placement nearest the transcript's 3' end. VCF-style (leftmost placement, unchanged base first): chr12-88129742-ATC-A. GRCh37 (hg19) VCF-style: chr12-88523519-ATC-A.
Identifiers: ClinVar variation 2103950 (VCV002103950.4), dbSNP rs2501468319, ClinGen allele CA2580086765.

ClinVar aggregate classification (germline): Pathogenic (1 of 4 stars; one submission).

Conditions:
Joubert syndrome. Also called: CEREBELLOPARENCHYMAL DISORDER IV; JOUBERT-BOLTSHAUSER SYNDROME; Familial aplasia of the vermis. Identifiers: Orphanet 475, MedGen C5979921, MONDO:0018772.
Nephronophthisis. Also called: Juvenile Nephronophthisis. Identifiers: Orphanet 655, MedGen C0687120, MONDO:0019005, HP:0000090.
Meckel-Gruber syndrome. Also called: DYSENCEPHALIA SPLANCHNOCYSTICA; GRUBER SYNDROME; Dysencephalia splachnocystica. Identifiers: Orphanet 564, MedGen C0265215, MONDO:0018921.

Submission:

Labcorp Genetics (formerly Invitae), Labcorp
Classification: Pathogenic for Joubert syndrome; Meckel-Gruber syndrome; Nephronophthisis. Last evaluated: 2022-02-27. Review status: criteria provided, single submitter. Criteria: Invitae Variant Classification Sherloc (09022015). Collection method: clinical testing. Allele origin: germline.
Comment: This variant has not been reported in the literature in individuals affected with CEP290-related conditions. For these reasons, this variant has been classified as Pathogenic. This variant is not present in population databases (gnomAD no frequency). This sequence change creates a premature translational stop signal (p.Asp268*) in the CEP290 gene. It is expected to result in an absent or disrupted protein product. Loss-of-function variants in CEP290 are known to be pathogenic (PMID: 16909394, 17345604, 20690115).

Literature cited by the submitters: PubMed 16909394; PubMed 17345604; PubMed 20690115.